The following is an entry in ClinVar:

ClinVar aggregate classification (germline): Pathogenic (1 of 4 stars; one submission).

Conditions:
Hereditary nonpolyposis colorectal neoplasms. Identifiers: MedGen C0009405, MeSH D003123.

Submission:

Labcorp Genetics (formerly Invitae), Labcorp
Classification: Pathogenic for Hereditary nonpolyposis colorectal neoplasms. Last evaluated: 2020-10-08. Review status: criteria provided, single submitter. Criteria: Invitae Variant Classification Sherloc (09022015). Collection method: clinical testing. Allele origin: germline.
Comment: Loss-of-function variants in MSH6 are known to be pathogenic (PMID: 18269114, 24362816). For these reasons, this variant has been classified as Pathogenic. This variant has not been reported in the literature in individuals with MSH6-related conditions. This variant is not present in population databases (ExAC no frequency). This sequence change creates a premature translational stop signal (p.Arg554Leufs*17) in the MSH6 gene. It is expected to result in an absent or disrupted protein product.

Literature cited by the submitters: PubMed 18269114; PubMed 24362816.

NM_000179.3(MSH6):c.1661del (p.Arg554fs)

Gene: MSH6 (mutS homolog 6; plus strand). Cytogenetic location: 2p16.3.
Variant type: Deletion.
Coding change: c.1661del on transcript NM_000179.3 (MANE Select); coding-DNA position 1661, one base deleted (G; older notation c.1661delG).
Protein change: p.Arg554fs; shifts the reading frame from arginine 554.
Molecular consequence: frameshift variant.
Genome position (GRCh38, 1-based): chr2:47,799,644, G deleted. VCF-style (leftmost placement, unchanged base first): chr2-47799643-CG-C. GRCh37 (hg19) VCF-style: chr2-48026782-CG-C.
Other names: c.1271del, p.Arg424fs (NM_001281492.2); c.755del, p.Arg252fs (NM_001281493.2, NM_001281494.2); short protein forms R252fs, R424fs, R554fs.
Identifiers: ClinVar variation 1069466 (VCV001069466.7), dbSNP rs2104359210, ClinGen allele CA2499216105.